The following is an entry in ClinVar:

NM_000878.5(IL2RB):c.1462C>A (p.Pro488Thr)

Gene: IL2RB (interleukin 2 receptor subunit beta; minus strand). Cytogenetic location: 22q12.3.
Variant type: single nucleotide variant.
Coding change: c.1462C>A on transcript NM_000878.5 (MANE Select); coding-DNA position 1462, C replaced by A.
Protein change: p.Pro488Thr; replaces proline 488 with threonine.
Molecular consequence: missense variant.
Genome position (GRCh38, 1-based): chr22:37,128,290, G>T on the plus strand (C>A on the coding strand, the complement: IL2RB is on the minus strand). VCF-style: chr22-37128290-G-T. GRCh37 (hg19) VCF-style: chr22-37524330-G-T.
Other names: c.1462C>A, p.Pro488Thr (NM_001346222.1, NM_001346223.2); short protein forms P488T.
Identifiers: ClinVar variation 1962520 (VCV001962520.2), dbSNP rs755957552, ClinGen allele CA10216321.
Genomic context (GRCh38, chr22:37,128,290, plus strand): 5'-CCTCCCTGGGGCCAGCGTCAGGGACCTCCTCCCCAGCCTCTCGCAGCACCAGCTCAGGGG[G>T]TGGCTGAAAATCCACCAGGTCTGGGACTCCTGGGGTGGGAGGCCCCAGGGGCTGGGGGTC-3'
Protein context (NP_000869.1, residues 478-498): GVPDLVDFQP[Pro488Thr]PELVLREAGE

ClinVar aggregate classification (germline): Uncertain significance (1 of 4 stars; one submission).

Allele frequency attached by ClinVar (database versions not stated): ExAC 0.00001; gnomAD 0.00002; gnomAD exomes 0.00004.
gnomAD v4.1: 52 of 1,501,212 alleles (0.0035%); highest among the groups gnomAD compares: Non-Finnish European, 0.0044%; no homozygotes.

Submission:

Labcorp Genetics (formerly Invitae), Labcorp
Classification: Uncertain significance. Last evaluated: 2022-05-10. Review status: criteria provided, single submitter. Criteria: Invitae Variant Classification Sherloc (09022015). Collection method: clinical testing. Allele origin: germline.
Comment: This sequence change replaces proline, which is neutral and non-polar, with threonine, which is neutral and polar, at codon 488 of the IL2RB protein (p.Pro488Thr). This variant is present in population databases (rs755957552, gnomAD 0.007%). This variant has not been reported in the literature in individuals affected with IL2RB-related conditions. Algorithms developed to predict the effect of missense changes on protein structure and function (SIFT, PolyPhen-2, Align-GVGD) all suggest that this variant is likely to be tolerated. In summary, the available evidence is currently insufficient to determine the role of this variant in disease. Therefore, it has been classified as a Variant of Uncertain Significance.